The following is an entry in ClinVar:

NM_004329.3(BMPR1A):c.851G>A (p.Arg284His)

Gene: BMPR1A (bone morphogenetic protein receptor type 1A; plus strand). Cytogenetic location: 10q23.2.
Variant type: single nucleotide variant.
Coding change: c.851G>A on transcript NM_004329.3 (MANE Select); coding-DNA position 851, G replaced by A.
Protein change: p.Arg284His; replaces arginine 284 with histidine.
Molecular consequence: missense variant. On other transcripts: non-coding transcript variant (3).
Genome position (GRCh38, 1-based): chr10:86,917,309, G>A. VCF-style: chr10-86917309-G-A. GRCh37 (hg19) VCF-style: chr10-88677066-G-A.
Other names: c.926G>A, p.Arg309His (NM_001406559.1); c.899G>A, p.Arg300His (NM_001406560.1); c.851G>A, p.Arg284His (NM_001406561.1, NM_001406562.1, NM_001406563.1 and 19 more transcripts); c.845G>A, p.Arg282His (NM_001406583.1); c.767G>A, p.Arg256His (NM_001406584.1, NM_001406585.1, NM_001406586.1 and 2 more transcripts); c.509G>A, p.Arg170His (NM_001406589.1); short protein forms R170H, R282H, R284H, R300H, R309H, R256H.
Identifiers: ClinVar variation 2851249 (VCV002851249.4), dbSNP rs1843588787, ClinGen allele CA377458769.

ClinVar aggregate classification (germline): Uncertain significance. Review status: criteria provided, multiple submitters, no conflicts (2 of 4 stars). 2 submissions from 2 submitters: Uncertain significance (2). Last evaluated 2026-01-27.

Conditions:
Juvenile polyposis syndrome (JPS). Identifiers: Orphanet 2929, MedGen C0345893, MONDO:0017380, OMIM 174900.
Hereditary cancer-predisposing syndrome. Also called: Tumor predisposition; Neoplastic Syndromes, Hereditary; Hereditary Cancer Syndrome; Hereditary neoplastic syndrome. Identifiers: Orphanet 140162, MedGen C0027672, MeSH D009386, MONDO:0015356.

Allele frequency attached by ClinVar (database versions not stated): TOPMed below 0.00001; gnomAD 0.00001.

Submissions (2):

Ambry Genetics
Classification: Uncertain significance for Hereditary cancer-predisposing syndrome. Last evaluated: 2026-01-27. Review status: criteria provided, single submitter. Criteria: Ambry Variant Classification Scheme 2023. Collection method: clinical testing. Allele origin: germline.
Comment: The p.R284H variant (also known as c.851G>A), located in coding exon 7 of the BMPR1A gene, results from a G to A substitution at nucleotide position 851. The arginine at codon 284 is replaced by histidine, an amino acid with highly similar properties. This amino acid position is highly conserved in available vertebrate species. In addition, this alteration is predicted to be deleterious by in silico analysis. Based on the available evidence, the clinical significance of this variant remains unclear.

Labcorp Genetics (formerly Invitae), Labcorp
Classification: Uncertain significance for Juvenile polyposis syndrome. Last evaluated: 2025-12-23. Review status: criteria provided, single submitter. Criteria: Invitae Variant Classification Sherloc (09022015). Collection method: clinical testing. Allele origin: germline.
Comment: This sequence change replaces arginine, which is basic and polar, with histidine, which is basic and polar, at codon 284 of the BMPR1A protein (p.Arg284His). This variant is not present in population databases (gnomAD no frequency). This variant has not been reported in the literature in individuals affected with BMPR1A-related conditions. ClinVar contains an entry for this variant (Variation ID: 2851249). Invitae Evidence Modeling of protein sequence and biophysical properties (such as structural, functional, and spatial information, amino acid conservation, physicochemical variation, residue mobility, and thermodynamic stability) indicates that this missense variant is not expected to disrupt BMPR1A protein function with a negative predictive value of 80%. In summary, the available evidence is currently insufficient to determine the role of this variant in disease. Therefore, it has been classified as a Variant of Uncertain Significance.